The following is an entry in ClinVar:

ClinVar aggregate classification (germline): Uncertain significance. Review status: criteria provided, multiple submitters, no conflicts (2 of 4 stars). 2 submissions from 2 submitters: Uncertain significance (2). Last evaluated 2022-09-01.

Conditions:
Spermatogenic failure 18. Identifiers: MedGen C4539783, MONDO:0054615, OMIM 617576.
Ciliary dyskinesia, primary, 37 (CILD37). Also called: CILIARY DYSKINESIA, PRIMARY, 37, WITH OR WITHOUT SITUS INVERSUS. Identifiers: MedGen C4539798, MONDO:0033204, OMIM 617577.

Allele frequency attached by ClinVar (database versions not stated): gnomAD exomes below 0.00001 and 0.00001; ExAC 0.00001; TOPMed 0.00002; gnomAD 0.00003 and 0.00004.
gnomAD v4.1: 18 of 1,609,020 alleles (0.0011%); highest among the groups gnomAD compares: Middle Eastern, 0.016%; no homozygotes.

Submissions (2):

Labcorp Genetics (formerly Invitae), Labcorp
Classification: Uncertain significance for Ciliary dyskinesia, primary, 37; Spermatogenic failure 18. Last evaluated: 2022-09-01. Review status: criteria provided, single submitter. Criteria: Invitae Variant Classification Sherloc (09022015). Collection method: clinical testing. Allele origin: germline.
Comment: In summary, the available evidence is currently insufficient to determine the role of this variant in disease. Therefore, it has been classified as a Variant of Uncertain Significance. Algorithms developed to predict the effect of missense changes on protein structure and function are either unavailable or do not agree on the potential impact of this missense change (SIFT: "Deleterious"; PolyPhen-2: "Possibly Damaging"; Align-GVGD: "Class C0"). ClinVar contains an entry for this variant (Variation ID: 478393). This variant has not been reported in the literature in individuals affected with DNAH1-related conditions. The frequency data for this variant in the population databases is considered unreliable, as metrics indicate poor data quality at this position in the gnomAD database. This sequence change replaces isoleucine, which is neutral and non-polar, with threonine, which is neutral and polar, at codon 3653 of the DNAH1 protein (p.Ile3653Thr).

GeneDx
Classification: Uncertain significance. Last evaluated: 2022-05-25. Review status: criteria provided, single submitter. Criteria: GeneDx Variant Classification Process June 2021. Collection method: clinical testing. Allele origin: germline. Affected: yes.
Comment: Not observed at significant frequency in large population cohorts (gnomAD); In silico analysis supports that this missense variant has a deleterious effect on protein structure/function; Has not been previously published as pathogenic or benign to our knowledge

NM_015512.5(DNAH1):c.10958T>C (p.Ile3653Thr)

Gene: DNAH1 (dynein axonemal heavy chain 1; plus strand). Cytogenetic location: 3p21.1.
Variant type: single nucleotide variant.
Coding change: c.10958T>C on transcript NM_015512.5 (MANE Select); coding-DNA position 10958, T replaced by C.
Protein change: p.Ile3653Thr; replaces isoleucine 3653 with threonine.
Molecular consequence: missense variant.
Genome position (GRCh38, 1-based): chr3:52,395,049, T>C. VCF-style: chr3-52395049-T-C. GRCh37 (hg19) VCF-style: chr3-52429065-T-C.
Other names: short protein forms I3653T.
Identifiers: ClinVar variation 478393 (VCV000478393.7), dbSNP rs780417209, ClinGen allele CA2436010.
Genomic context (GRCh38, chr3:52,395,049, plus strand): 5'-GGGACAAGGTTACCAACGCCATGCAGGACTTTGTGGCCACCAACCTGGAGCCACGCTTCA[T>C]TGAACCCCAGGCAAGTGCTGGAACCCTGGCAGGACTGGCACCTTGAGCTTGTCCCCACCC-3'
Protein context (NP_056327.4, residues 3643-3663): FVATNLEPRF[Ile3653Thr]EPQTANLSVV